The following is an entry in ClinVar:

ClinVar aggregate classification (germline): Uncertain significance (1 of 4 stars; one submission).

Conditions:
Malignant hyperthermia, susceptibility to, 1 (MHS1). Also called: Anesthesia related hyperthermia; Malignant hyperpyrexia; Fulminating hyperpyrexia; Pharmacogenic myopathy; RYR1-Related Malignant Hyperthermia Susceptibility; Malignant hyperthermia suceptibility 1. Identifiers: Orphanet 423, MedGen C2930980, MONDO:0007783, OMIM 145600.

Allele frequency attached by ClinVar (database versions not stated): TOPMed 0.00001.

Submission:

All of Us Research Program, National Institutes of Health
Classification: Uncertain significance for Malignant hyperthermia, susceptibility to, 1. Last evaluated: 2023-11-20. Review status: criteria provided, single submitter. Criteria: ACMG Guidelines, 2015. Collection method: clinical testing. Allele origin: germline. Inheritance: Autosomal dominant inheritance. Observed: 1 variant allele, 1 heterozygote.
Comment: This missense variant replaces aspartic acid with tyrosine at codon 1699 of the RYR1 protein. Computational prediction is inconclusive regarding the impact of this variant on protein structure and function (internally defined REVEL score threshold 0.5 < inconclusive < 0.7, PMID: 27666373). To our knowledge, functional studies have not been reported for this variant. This variant has not been reported in individuals affected with RYR1-related disorders in the literature. This variant has not been identified in the general population by the Genome Aggregation Database (gnomAD). The available evidence is insufficient to determine the role of this variant in disease conclusively. Therefore, this variant is classified as a Variant of Uncertain Significance.

This study involves interpretation of variants in research participants for the purpose of population health screening. Participant phenotype was not available at the time of variant classification. Additional details can be found in publication PMID: 35346344, PMCID: PMC8962531

NM_000540.3(RYR1):c.5095G>T (p.Asp1699Tyr)

Gene: RYR1 (ryanodine receptor 1; plus strand). Cytogenetic location: 19q13.2.
Variant type: single nucleotide variant.
Coding change: c.5095G>T on transcript NM_000540.3 (MANE Select); coding-DNA position 5095, G replaced by T.
Protein change: p.Asp1699Tyr; replaces aspartic acid 1699 with tyrosine.
Molecular consequence: missense variant.
Genome position (GRCh38, 1-based): chr19:38,485,750, G>T. VCF-style: chr19-38485750-G-T. GRCh37 (hg19) VCF-style: chr19-38976390-G-T.
Other names: c.5095G>T, p.Asp1699Tyr (NM_001042723.2); short protein forms D1699Y.
Identifiers: ClinVar variation 3074607 (VCV003074607.1), dbSNP rs1257781197, ClinGen allele CA405653735.